The following is an entry in ClinVar:

ClinVar aggregate classification (germline): Likely benign (1 of 4 stars; one submission).

Conditions:
POLE-related disorder. Also called: POLE-related disorders; POLE-related condition.

gnomAD v4.1: 1 of 1,613,992 alleles (0.000062%); no homozygotes.

Submission:

PreventionGenetics, part of Exact Sciences
Classification: Likely benign for POLE-related condition. Last evaluated: 2025-03-01. Review status: criteria provided, single submitter. Criteria: ACMG Guidelines, 2015. Collection method: clinical testing. Allele origin: germline.
Comment: This variant is classified as likely benign based on ACMG/AMP sequence variant interpretation guidelines (Richards et al. 2015 PMID: 25741868, with internal and published modifications).

NM_006231.4(POLE):c.3309C>T (p.Pro1103=)

Gene: POLE (DNA polymerase epsilon, catalytic subunit; minus strand). Cytogenetic location: 12q24.33.
Variant type: single nucleotide variant.
Coding change: c.3309C>T on transcript NM_006231.4 (MANE Select); coding-DNA position 3309, C replaced by T.
Protein change: p.Pro1103=; no amino-acid change (proline 1103 retained).
Molecular consequence: synonymous variant.
Genome position (GRCh38, 1-based): chr12:132,657,937, G>A on the plus strand (C>T on the coding strand, the complement: POLE is on the minus strand). VCF-style: chr12-132657937-G-A. GRCh37 (hg19) VCF-style: chr12-133234523-G-A.
Identifiers: ClinVar variation 5001184 (VCV005001184.1).